The following is an entry in ClinVar:

ClinVar aggregate classification (germline): Uncertain significance. Review status: criteria provided, multiple submitters, no conflicts (2 of 4 stars). 2 submissions from 2 submitters: Uncertain significance (2). Last evaluated 2025-03-07.

Conditions:
Peroxisome biogenesis disorder 7A (Zellweger). Also called: Peroxisome biogenesis disorder 7A. Identifiers: Orphanet 912, MedGen C3888385, MONDO:0013938, OMIM 614872.
Peroxisome biogenesis disorder 7B (PBD7B). Identifiers: Orphanet 44, MedGen C3553951, MONDO:0013939, OMIM 614873.
Inborn genetic diseases. Identifiers: MedGen C0950123, MeSH D030342.

Allele frequency attached by ClinVar (database versions not stated): gnomAD exomes below 0.00001; TOPMed below 0.00001; ExAC 0.00001; gnomAD 0.00001.
gnomAD v4.1: 2 of 1,613,982 alleles (0.00012%); highest among the groups gnomAD compares: Admixed American, 0.0033%; no homozygotes.

Submissions (2):

Ambry Genetics
Classification: Uncertain significance for Inborn genetic diseases. Last evaluated: 2025-03-07. Review status: criteria provided, single submitter. Criteria: Ambry Variant Classification Scheme 2023. Collection method: clinical testing. Allele origin: germline.

Labcorp Genetics (formerly Invitae), Labcorp
Classification: Uncertain significance for Peroxisome biogenesis disorder 7A (Zellweger); Peroxisome biogenesis disorder 7B. Last evaluated: 2022-06-23. Review status: criteria provided, single submitter. Criteria: Invitae Variant Classification Sherloc (09022015). Collection method: clinical testing. Allele origin: germline.
Comment: This sequence change replaces glutamine, which is neutral and polar, with lysine, which is basic and polar, at codon 165 of the PEX26 protein (p.Gln165Lys). This variant is present in population databases (rs781370363, gnomAD 0.006%). This variant has not been reported in the literature in individuals affected with PEX26-related conditions. Algorithms developed to predict the effect of missense changes on protein structure and function are either unavailable or do not agree on the potential impact of this missense change (SIFT: "Deleterious"; PolyPhen-2: "Benign"; Align-GVGD: "Class C0"). In summary, the available evidence is currently insufficient to determine the role of this variant in disease. Therefore, it has been classified as a Variant of Uncertain Significance.

NM_001127649.3(PEX26):c.493C>A (p.Gln165Lys)

Gene: PEX26 (peroxisomal biogenesis factor 26; plus strand). Cytogenetic location: 22q11.21.
Variant type: single nucleotide variant.
Coding change: c.493C>A on transcript NM_001127649.3 (MANE Select); coding-DNA position 493, C replaced by A.
Protein change: p.Gln165Lys; replaces glutamine 165 with lysine.
Molecular consequence: missense variant.
Genome position (GRCh38, 1-based): chr22:18,083,558, C>A. VCF-style: chr22-18083558-C-A. GRCh37 (hg19) VCF-style: chr22-18566324-C-A.
Other names: c.493C>A, p.Gln165Lys (NM_001199319.2, NM_017929.6); c.493C>A (NM_017929.5); short protein forms Q165K.
Identifiers: ClinVar variation 1963473 (VCV001963473.3), dbSNP rs781370363, ClinGen allele CA10093336.